The following is an entry in ClinVar:

NM_001384474.1(LOXHD1):c.6520G>A (p.Val2174Ile)

Gene: LOXHD1 (lipoxygenase homology PLAT domains 1; minus strand). Cytogenetic location: 18q21.1.
Variant type: single nucleotide variant.
Coding change: c.6520G>A on transcript NM_001384474.1 (MANE Select); coding-DNA position 6520, G replaced by A.
Protein change: p.Val2174Ile; replaces valine 2174 with isoleucine.
Molecular consequence: missense variant.
Genome position (GRCh38, 1-based): chr18:46,477,774, C>T on the plus strand (G>A on the coding strand, the complement: LOXHD1 is on the minus strand). VCF-style: chr18-46477774-C-T. GRCh37 (hg19) VCF-style: chr18-44057737-C-T.
Other names: c.3187G>A, p.Val1063Ile (NM_001145472.3); c.1237G>A, p.Val413Ile (NM_001145473.3, NM_001173129.2); c.2899G>A, p.Val967Ile (NM_001308013.2); c.6334G>A, p.Val2112Ile (NM_144612.7); short protein forms V1063I, V2112I, V2174I, V413I, V967I.
Identifiers: ClinVar variation 3361725 (VCV003361725.2).
Genomic context (GRCh38, chr18:46,477,774, plus strand): 5'-TTTTCTGCTTCAGCTCCCGCTTGCCTGTGTCTCCGTTGGCCCCAAAGATGGTCACGAAGA[C>T]GTTGGCATCAGTGCCTGCCCCTGGCTCATAGCCTGTTGTCACGATGACTTCGTACTTGAC-3'
Protein context (NP_001371403.1, residues 2164-2184): YEPGAGTDAN[Val2174Ile]FVTIFGANGD

ClinVar aggregate classification (germline): Uncertain significance. Review status: criteria provided, multiple submitters, no conflicts (2 of 4 stars). 2 submissions from 2 submitters: Uncertain significance (2). Last evaluated 2025-01-14.

Conditions:
Autosomal dominant nonsyndromic hearing loss. Also called: Rare autosomal dominant non-syndromic sensorineural deafness type DFNA. Identifiers: Orphanet 90635, MedGen C5779548, MONDO:0019587.

gnomAD v4.1: 23 of 1,551,778 alleles (0.0015%); highest among the groups gnomAD compares: African/African-American, 0.0041%; no homozygotes.

Submissions (2):

Center for Statistical Genetics, Columbia University
Classification: Uncertain significance for Autosomal dominant nonsyndromic hearing loss. Last evaluated: 2025-01-14. Review status: criteria provided, single submitter. Criteria: ACMG Guidelines, 2015. Collection method: research. Allele origin: germline. Inheritance: Autosomal dominant inheritance. Affected: yes. Observed: 2 heterozygotes.
Comment: c.6334G>A is a missense variant. LOXHD1 is a known gene for autosomal recessive nonsyndromic hearing loss. We identified this heterozygous variant segregating in multiple affected with autosomal dominant nonsyndromic deafness. Allele frequency is extremely low in all databases. The variant was classified based on the ACMG/AMP criteria, using the evidences PP1

GeneDx
Classification: Uncertain significance. Last evaluated: 2023-08-01. Review status: criteria provided, single submitter. Criteria: GeneDx Variant Classification Process June 2021. Collection method: clinical testing. Allele origin: germline. Affected: yes.
Comment: In silico analysis supports that this missense variant does not alter protein structure/function; Has not been previously published as pathogenic or benign to our knowledge